The following is an entry in ClinVar:

ClinVar aggregate classification (germline): Uncertain significance (1 of 4 stars; one submission).

Conditions:
Autosomal recessive nonsyndromic hearing loss 3. Also called: NEUROSENSORY NONSYNDROMIC RECESSIVE DEAFNESS 3. Identifiers: Orphanet 90636, MedGen C1838263, MONDO:0010860, OMIM 600316.

Allele frequency attached by ClinVar (database versions not stated): gnomAD 0.00002 and 0.00003; TOPMed 0.00002; 1000 Genomes Project 30x 0.00031; 1000 Genomes Project 0.00040.
gnomAD v4.1: 29 of 1,613,676 alleles (0.0018%); highest among the groups gnomAD compares: East Asian, 0.031%; no homozygotes.

Submission:

ARUP Laboratories, Molecular Genetics and Genomics, ARUP Laboratories
Classification: Uncertain significance for Autosomal recessive nonsyndromic hearing loss 3. Last evaluated: 2021-04-13. Review status: criteria provided, single submitter. Criteria: ARUP Molecular Germline Variant Investigation Process 2021. Collection method: clinical testing. Allele origin: germline.
Comment: The MYO15A c.5261G>A, p.Arg1754His variant (rs544020493), to our knowledge, has not been reported in the medical literature or gene specific databases. This variant is found in the general population with an overall allele frequency of 0.003% (9/280,456 alleles) in the Genome Aggregation Database. The arginine at codon 1754 is highly conserved, but computational analyses are uncertain whether this variant is neutral or deleterious (REVEL: 0.378). Based on the available information, the clinical significance of this variant is uncertain.

NM_016239.4(MYO15A):c.5261G>A (p.Arg1754His)

Gene: MYO15A (myosin XVA; plus strand). Cytogenetic location: 17p11.2.
Variant type: single nucleotide variant.
Coding change: c.5261G>A on transcript NM_016239.4 (MANE Select); coding-DNA position 5261, G replaced by A.
Protein change: p.Arg1754His; replaces arginine 1754 with histidine.
Molecular consequence: missense variant.
Genome position (GRCh38, 1-based): chr17:18,140,566, G>A. VCF-style: chr17-18140566-G-A. GRCh37 (hg19) VCF-style: chr17-18043880-G-A.
Other names: short protein forms R1754H.
Identifiers: ClinVar variation 1330560 (VCV001330560.7), dbSNP rs544020493, ClinGen allele CA8424218.